The following is an entry in ClinVar:

ClinVar aggregate classification (germline): Uncertain significance (1 of 4 stars; one submission).

Submission:

GeneDx
Classification: Uncertain significance. Last evaluated: 2024-05-30. Review status: criteria provided, single submitter. Criteria: GeneDx Variant Classification Process June 2021. Collection method: clinical testing. Allele origin: germline. Affected: yes.
Comment: Not observed at significant frequency in large population cohorts (gnomAD); In silico analysis supports that this missense variant has a deleterious effect on protein structure/function; Has not been previously published as pathogenic or benign to our knowledge

NM_015557.3(CHD5):c.2973G>C (p.Lys991Asn)

Gene: CHD5 (chromodomain helicase DNA binding protein 5; minus strand). Cytogenetic location: 1p36.31.
Variant type: single nucleotide variant.
Coding change: c.2973G>C on transcript NM_015557.3 (MANE Select); coding-DNA position 2973, G replaced by C.
Protein change: p.Lys991Asn; replaces lysine 991 with asparagine.
Molecular consequence: missense variant.
Genome position (GRCh38, 1-based): chr1:6,134,757, C>G on the plus strand (G>C on the coding strand, the complement: CHD5 is on the minus strand). VCF-style: chr1-6134757-C-G. GRCh37 (hg19) VCF-style: chr1-6194817-C-G.
Other names: short protein forms K991N.
Identifiers: ClinVar variation 3383627 (VCV003383627.1).